The following is an entry in ClinVar:

NM_004369.4(COL6A3):c.6272G>T (p.Arg2091Ile)

Gene: COL6A3 (collagen type VI alpha 3 chain; minus strand). Cytogenetic location: 2q37.3.
Variant type: single nucleotide variant.
Coding change: c.6272G>T on transcript NM_004369.4 (MANE Select); coding-DNA position 6272, G replaced by T.
Protein change: p.Arg2091Ile; replaces arginine 2091 with isoleucine.
Molecular consequence: missense variant.
Genome position (GRCh38, 1-based): chr2:237,360,098, C>A on the plus strand (G>T on the coding strand, the complement: COL6A3 is on the minus strand). VCF-style: chr2-237360098-C-A. GRCh37 (hg19) VCF-style: chr2-238268741-C-A.
Other names: c.4451G>T, p.Arg1484Ile (NM_057166.5); c.5654G>T, p.Arg1885Ile (NM_057167.4); short protein forms R1885I, R1484I, R2091I.
Identifiers: ClinVar variation 4766319 (VCV004766319.1).

ClinVar aggregate classification (germline): Uncertain significance (1 of 4 stars; one submission).

Conditions:
Bethlem myopathy 1A. Also called: Bethlem myopathy 1; Bethlem Muscular Dystrophy; MYOPATHY, BENIGN CONGENITAL, WITH CONTRACTURES. Identifiers: Orphanet 610, MedGen CN029274, MONDO:0024530, OMIM 158810.

Submission:

Labcorp Genetics (formerly Invitae), Labcorp
Classification: Uncertain significance for Bethlem myopathy 1A. Last evaluated: 2025-10-18. Review status: criteria provided, single submitter. Criteria: Invitae Variant Classification Sherloc (09022015). Collection method: clinical testing. Allele origin: germline.
Comment: This sequence change replaces arginine, which is basic and polar, with isoleucine, which is neutral and non-polar, at codon 2091 of the COL6A3 protein (p.Arg2091Ile). This variant is not present in population databases (gnomAD no frequency). This variant has not been reported in the literature in individuals affected with COL6A3-related conditions. Invitae Evidence Modeling of protein sequence and biophysical properties (such as structural, functional, and spatial information, amino acid conservation, physicochemical variation, residue mobility, and thermodynamic stability) has been performed for this missense variant. However, the output from this modeling did not meet the statistical confidence thresholds required to predict the impact of this variant on COL6A3 protein function. In summary, the available evidence is currently insufficient to determine the role of this variant in disease. Therefore, it has been classified as a Variant of Uncertain Significance.